The following continues an entry in ClinVar:

NM_000071.3(CBS):c.1105C>T (p.Arg369Cys)

Gene: CBS. ClinVar aggregate classification (germline): Conflicting classifications of pathogenicity. Uncertain significance (18); Benign (1); Likely benign (2).

Submissions 7 to 22 of 22:

Molecular Diagnostic Laboratory for Inherited Cardiovascular Disease, Montreal Heart Institute
Classification: Uncertain significance for Cardiovascular phenotype. Last evaluated: 2025-04-09. Review status: criteria provided, single submitter. Criteria: ACMG Guidelines, 2015. Collection method: clinical testing. Allele origin: germline. Affected: yes.

Blueprint Genetics
Classification: Likely benign. Last evaluated: 2024-11-28. Review status: criteria provided, single submitter. Criteria: ACMG Guidelines, 2015. Collection method: clinical testing. Allele origin: germline.

ARUP Laboratories, Molecular Genetics and Genomics, ARUP Laboratories
Classification: Uncertain significance. Last evaluated: 2024-11-04. Review status: criteria provided, single submitter. Criteria: ARUP Molecular Germline Variant Investigation Process 2024. Collection method: clinical testing. Allele origin: germline.
Comment: The CBS c.1105C>T; p.Arg369Cys variant (rs117687681, ClinVar Variation ID: 212860) is reported in the literature in individuals affected with homocystinuria, several of whom carried an additional pathogenic variant (Kim 1997, Gaustadnes 2002, Kluijtmans 1999). However, this variant is also found in the general population with an overall allele frequency of 0.3% (838/278330 alleles, including 5 homozygotes) in the Genome Aggregation Database (v2.1.1). Computational analyses predict that this variant is deleterious (REVEL: 0.972). Functional studies present conflicting results, with in vitro analyses suggesting reduced enzyme activity (Hnizda 2012, Kozich 2010), while complementation studies in yeast indicate function comparable to wildtype (Kim 1997, Mayfield 2012). Due to conflicting information, the clinical significance of the p.Arg369Cys variant is uncertain at this time. References: Gaustadnes M et al. The molecular basis of cystathionine beta-synthase deficiency in Australian patients: genotype-phenotype correlations and response to treatment. Hum Mutat. 2002 Aug;20(2):117-26. PMID: 12124992. Hnizda A et al. Cystathionine beta-synthase mutants exhibit changes in protein unfolding: conformational analysis of misfolded variants in crude cell extracts. J Innherit Metab dis 2012; 35:469-477. PMID: 22069143. Kim et al. Functional modeling of vitamin responsiveness in yeast: a common pyridoxine-responsive cystathionine beta-synthase mutation in homocystinuria. Hum Mol Genet. 1997; 6(13): 2213-2221. PMID: 9361025. Kluijtmans et al. The molecular basis of cystathionine beta-synthase deficiency in Dutch patients with homocystinuria: effect of CBS genotype on biochemical and clinical phenotype and on response to treatment. Am J Hum Genet. 1999 Jul;65(1):59-67. PMID: 10364517. Kozich V et al. Cystathionine beta-synthase mutations: effect of mutation topology on folding and activity. Hum Mutat 2010; 31(7):809-819. PMID: 20506325. Mayfield JA et al. Surrogate genetics and metabolic profiling for characterization of human disease alleles. Genetics 2012; 190:1309-1323. PMID: 22267502.

Genomic Medicine Center of Excellence, King Faisal Specialist Hospital and Research Centre
Classification: Uncertain significance for Classic homocystinuria. Last evaluated: 2024-04-04. Review status: criteria provided, single submitter. Criteria: ACMG Guidelines, 2015. Collection method: clinical testing. Allele origin: germline.

Labcorp Genetics (formerly Invitae), Labcorp
Classification: Uncertain significance for HYPERHOMOCYSTEINEMIA, THROMBOTIC, CBS-RELATED. Last evaluated: 2022-11-01. Review status: criteria provided, single submitter. Criteria: Invitae Variant Classification Sherloc (09022015). Collection method: clinical testing. Allele origin: germline.
Comment: This sequence change replaces arginine, which is basic and polar, with cysteine, which is neutral and slightly polar, at codon 369 of the CBS protein (p.Arg369Cys). This variant is present in population databases (rs117687681, gnomAD 0.7%), and has an allele count higher than expected for a pathogenic variant. This missense change has been observed in individual(s) with pyridoxine-responsive homocystinuria (PMID: 9361025, 10364517, 12124992, 18950795). In at least one individual the data is consistent with being in trans (on the opposite chromosome) from a pathogenic variant. ClinVar contains an entry for this variant (Variation ID: 212860). Advanced modeling of protein sequence and biophysical properties (such as structural, functional, and spatial information, amino acid conservation, physicochemical variation, residue mobility, and thermodynamic stability) performed at Invitae indicates that this missense variant is expected to disrupt CBS protein function. Experimental studies have shown that this missense change affects CBS function (PMID: 10364517, 18708589, 18950795, 20506325). In summary, the available evidence is currently insufficient to determine the role of this variant in disease. Therefore, it has been classified as a Variant of Uncertain Significance.

Revvity Omics, Revvity
Classification: Uncertain significance for Classic homocystinuria. Last evaluated: 2022-03-29. Review status: criteria provided, single submitter. Criteria: ACMG Guidelines, 2015. Collection method: clinical testing. Allele origin: germline.

Genome Diagnostics Laboratory, The Hospital for Sick Children
Classification: Uncertain significance for Connective tissue disorder. Last evaluated: 2021-11-16. Review status: criteria provided, single submitter. Criteria: ACMG Guidelines, 2015. Collection method: clinical testing. Allele origin: germline.

Department of Pathology and Laboratory Medicine, Sinai Health System
Classification: Uncertain significance for classic homocystinuria. Last evaluated: 2021-11-03. Review status: criteria provided, single submitter. Criteria: ACMG Guidelines, 2015. Collection method: research. Allele origin: germline.

Genome-Nilou Lab
Classification: Uncertain significance for Classic homocystinuria. Last evaluated: 2021-05-18. Review status: criteria provided, single submitter. Criteria: ACMG Guidelines, 2015. Collection method: clinical testing. Allele origin: germline. Affected: no.

Victorian Clinical Genetics Services, Murdoch Childrens Research Institute
Classification: Uncertain significance for Classic homocystinuria. Last evaluated: 2020-06-11. Review status: criteria provided, single submitter. Criteria: ACMG Guidelines, 2015. Collection method: clinical testing. Allele origin: germline. Inheritance: Autosomal recessive inheritance.
Comment: Based on the classification scheme VCGS_Germline_v1.1.1, this variant is classified as 3B-VUS. Following criteria are met: 0102 - Loss-of-function is a known mechanism of disease for this gene. (N) 0106 - This gene is known to be associated with autosomal recessive disease. (N) 0200 - Variant is predicted to result in a missense amino acid change from arginine to cysteine (exon 12). (N) 0251 - Variant is heterozygous. (N) 0304 - Variant is present in gnomAD <0.01 for a recessive condition (838 heterozygotes, 5 homozygotes). (P) 0309 - An alternative amino acid change at the same position has been observed in gnomAD (4 heterozygotes, 0 homozygotes). (N) 0501 - Missense variant consistently predicted to be damaging by multiple in silico tools or highly conserved with a major amino acid change. (P) 0600 - Variant is located in an annotated domain or motif. This variant is located within the active core (PMID: 30380942) in the PALP domain (PDB, Decipher) (N) 0708 - Comparable variants have conflicting previous evidence for pathogenicity. A different variant in the same codon resulting in a change to a histidine has also been reported as VUS in a patient with homocystinuria (ClinVar). Functional studies showed that a change to proline (not seen in patients) was shown to result in a phenotype on yeast, whereas the change to histidine did not (PMID: 22267502). (N) 0808 - Previous reports of pathogenicity are conflicting. This variant has been previously reported as VUS in individuals with homocystinuria. (ClinVar, PMID: 29650765). (N) 1002 - Functional evidence is conflicting. Studies in different systems, such as yeast and mammals cells showed discrepant results in protein folding and enzyme activity (PMID: 9361025, PMID: 18950795). (P) 1208 - Inheritance information for this variant is not currently available. (N) Legend: (P) - Pathogenic, (N) - Neutral, (B) - Benign

Mendelics
Classification: Uncertain significance for Classic homocystinuria. Last evaluated: 2019-05-28. Review status: criteria provided, single submitter. Criteria: Mendelics Assertion Criteria 2017. Collection method: clinical testing. Allele origin: unknown.

Cambridge Genomics Laboratory, East Genomic Laboratory Hub, NHS Genomic Medicine Service
Classification: Benign for Congenital myopathy. Last evaluated: 2019-04-17. Review status: criteria provided, single submitter. Criteria: ACGS Best Practice Guidelines for Variant Classification in Rare Disease 2020. Collection method: clinical testing. Allele origin: germline. Affected: yes. Observed: 1 variant allele.

Center for Pediatric Genomic Medicine, Children's Mercy Hospital and Clinics
Classification: Uncertain significance. Last evaluated: 2017-06-15. Review status: criteria provided, single submitter. Criteria: ACMG Guidelines, 2015. Collection method: clinical testing. Allele origin: germline.

Illumina Laboratory Services, Illumina
Classification: Uncertain significance for Classic homocystinuria. Last evaluated: 2017-04-27. Review status: criteria provided, single submitter. Criteria: ICSL Variant Classification Criteria 13 December 2019. Collection method: clinical testing. Allele origin: germline.
Comment: This variant was observed as part of a predisposition screen in an ostensibly healthy population. A literature search was performed for the gene, cDNA change, and amino acid change (where applicable). Publications were found based on this search. However, the evidence from the literature, in combination with allele frequency data from public databases where available, was not sufficient to rule this variant in or out of causing disease. Therefore, this variant is classified as a variant of unknown significance.

Eurofins Ntd Llc (ga)
Classification: Uncertain significance. Last evaluated: 2015-11-20. Review status: criteria provided, single submitter. Criteria: EGL Classification Definitions 2015. Collection method: clinical testing. Allele origin: germline. Observed: 4 variant alleles, 4 heterozygotes.

Natera, Inc.
Classification: Uncertain significance for Homocystinuria due to cystathionine beta-synthase deficiency. Last evaluated: 2020-01-12. Review status: no assertion criteria provided. Collection method: clinical testing. Allele origin: germline. Not counted in ClinVar's aggregate classification.

Literature cited by the submitters: PubMed 10364517 (cited by 5 submitters); PubMed 12124992 (cited by 6 submitters); PubMed 22267502 (cited by 5 submitters); PubMed 22612060 (cited by Women's Health and Genetics/Laboratory Corporation of America, LabCorp); PubMed 20506325 (cited by 3 submitters); PubMed 18708589 (cited by 3 submitters); PubMed 18950795 (cited by 7 submitters); PubMed 9361025 (cited by 7 submitters); PubMed 25331909 (cited by Women's Health and Genetics/Laboratory Corporation of America, LabCorp and Ambry Genetics); PubMed 19819175 (cited by Women's Health and Genetics/Laboratory Corporation of America, LabCorp); PubMed 28152038 (cited by Women's Health and Genetics/Laboratory Corporation of America, LabCorp and Mayo Clinic Laboratories, Mayo Clinic); PubMed 31211624 (cited by Women's Health and Genetics/Laboratory Corporation of America, LabCorp); PubMed 32245022 (cited by Women's Health and Genetics/Laboratory Corporation of America, LabCorp); PubMed 30165906 (cited by Women's Health and Genetics/Laboratory Corporation of America, LabCorp); PubMed 29205322 (cited by Women's Health and Genetics/Laboratory Corporation of America, LabCorp); PubMed 29650765 (cited by 4 submitters); PubMed 31301157 (cited by Women's Health and Genetics/Laboratory Corporation of America, LabCorp); PubMed 31664448 (cited by Women's Health and Genetics/Laboratory Corporation of America, LabCorp); PubMed 31139930 (cited by Women's Health and Genetics/Laboratory Corporation of America, LabCorp); PubMed 36588553 (cited by Women's Health and Genetics/Laboratory Corporation of America, LabCorp); PubMed 38532509 (cited by Women's Health and Genetics/Laboratory Corporation of America, LabCorp); PubMed 15192637 (cited by 4 submitters); PubMed 22069143 (cited by Mayo Clinic Laboratories, Mayo Clinic and Illumina Laboratory Services, Illumina); PubMed 26990548 (cited by Mayo Clinic Laboratories, Mayo Clinic and Ambry Genetics); PubMed 20490928 (cited by Ambry Genetics); PubMed 30380942 (cited by Victorian Clinical Genetics Services, Murdoch Childrens Research Institute).